The following is an entry in ClinVar:

NM_005633.4(SOS1):c.64C>G (p.Leu22Val)

Genes: SOS1 (SOS Ras/Rac guanine nucleotide exchange factor 1; minus strand), LOC129933535 (ATAC-STARR-seq lymphoblastoid silent region 11384; plus strand). Cytogenetic location: 2p22.1.
Variant type: single nucleotide variant.
Coding change: c.64C>G on transcript NM_005633.4 (MANE Select); coding-DNA position 64, C replaced by G.
Protein change: p.Leu22Val; replaces leucine 22 with valine.
Molecular consequence: missense variant. On other transcripts: intron variant (1).
Genome position (GRCh38, 1-based): chr2:39,120,359, G>C on the plus strand (C>G on the coding strand, the complement: SOS1 is on the minus strand). VCF-style: chr2-39120359-G-C. GRCh37 (hg19) VCF-style: chr2-39347500-G-C.
Other names: c.64C>G, p.Leu22Val (NM_001382395.1); c.66+4305C>G (NM_001382394.1); short protein forms L22V.
Identifiers: ClinVar variation 2779319 (VCV002779319.5), dbSNP rs773916713, ClinGen allele CA1624890.

ClinVar aggregate classification (germline): Conflicting classifications of pathogenicity. Review status: criteria provided, conflicting classifications (1 of 4 stars). 3 submissions from 3 submitters: Uncertain significance (2); Likely benign (1). Last evaluated 2026-09-15.

Conditions:
SOS1-related disorder. Also called: SOS1-related condition.
Cardiovascular phenotype. Identifiers: MedGen CN230736.
RASopathy. Also called: Noonan spectrum disorder; rasopathies. Identifiers: Orphanet 536391, MedGen C5555857, MONDO:0021060.

Allele frequency attached by ClinVar (database versions not stated): TOPMed 0.00001.

Submissions (3):

PreventionGenetics, part of Exact Sciences
Classification: Uncertain significance for SOS1-related condition. Last evaluated: 2026-09-15. Review status: criteria provided, single submitter. Criteria: ACMG Guidelines, 2015. Collection method: clinical testing. Allele origin: germline.
Comment: The SOS1 c.64C>G variant is predicted to result in the amino acid substitution p.Leu22Val. This variant has been reported in two individuals from a large congenital heart disease cohort study; however, specific phenotypic information was not provided (Extended Data Set 4, Sierant et al. 2025. PubMed ID: 40127276). This variant is reported in 0.028% of alleles in individuals of South Asian descent in gnomAD, which may be too frequent to be a primary cause of disease. At this time, the clinical significance of this variant is uncertain due to the absence of conclusive functional and genetic evidence.

Ambry Genetics
Classification: Uncertain significance for Cardiovascular phenotype. Last evaluated: 2025-01-16. Review status: criteria provided, single submitter. Criteria: Ambry Variant Classification Scheme 2023. Collection method: clinical testing. Allele origin: germline.
Comment: The p.L22V variant (also known as c.64C>G), located in coding exon 1 of the SOS1 gene, results from a C to G substitution at nucleotide position 64. The leucine at codon 22 is replaced by valine, an amino acid with highly similar properties. This amino acid position is conserved. In addition, the in silico prediction for this alteration is inconclusive. Based on the available evidence, the clinical significance of this variant remains unclear.

Labcorp Genetics (formerly Invitae), Labcorp
Classification: Likely benign for RASopathy. Last evaluated: 2025-01-13. Review status: criteria provided, single submitter. Criteria: Invitae Variant Classification Sherloc (09022015). Collection method: clinical testing. Allele origin: germline.